The following is an entry in ClinVar:

ClinVar aggregate classification (germline): Uncertain significance (1 of 4 stars; one submission).

Conditions:
Hereditary cancer-predisposing syndrome. Also called: Neoplastic Syndromes, Hereditary; Tumor predisposition; Hereditary Cancer Syndrome; Hereditary neoplastic syndrome. Identifiers: Orphanet 140162, MedGen C0027672, MeSH D009386, MONDO:0015356.
Cardiovascular phenotype. Identifiers: MedGen CN230736.

Submission:

Ambry Genetics
Classification: Uncertain significance for Cardiovascular phenotype; Hereditary cancer-predisposing syndrome. Last evaluated: 2021-03-05. Review status: criteria provided, single submitter. Criteria: Ambry Variant Classification Scheme 2023. Collection method: clinical testing. Allele origin: germline.
Comment: The p.S1386R variant (also known as c.4158T>A), located in coding exon 31 of the NF1 gene, results from a T to A substitution at nucleotide position 4158. The serine at codon 1386 is replaced by arginine, an amino acid with dissimilar properties. This amino acid position is highly conserved in available vertebrate species. In addition, this alteration is predicted to be deleterious by in silico analysis. Since supporting evidence is limited at this time, the clinical significance of this alteration remains unclear.

NM_001042492.3(NF1):c.4221T>A (p.Ser1407Arg)

Gene: NF1 (neurofibromin 1; plus strand). Cytogenetic location: 17q11.2.
Variant type: single nucleotide variant.
Coding change: c.4221T>A on transcript NM_001042492.3 (MANE Select); coding-DNA position 4221, T replaced by A.
Protein change: p.Ser1407Arg; replaces serine 1407 with arginine.
Molecular consequence: missense variant.
Genome position (GRCh38, 1-based): chr17:31,258,391, T>A. VCF-style: chr17-31258391-T-A. GRCh37 (hg19) VCF-style: chr17-29585409-T-A.
Other names: c.4158T>A, p.Ser1386Arg (NM_000267.4); short protein forms S1407R, S1386R.
Identifiers: ClinVar variation 1738310 (VCV001738310.2), dbSNP rs2067621366, ClinGen allele CA398997762.